The following is an entry in ClinVar:

NM_000171.4(GLRA1):c.476+6T>A

Gene: GLRA1 (glycine receptor alpha 1; minus strand). Cytogenetic location: 5q33.1.
Variant type: single nucleotide variant.
Coding change: c.476+6T>A on transcript NM_000171.4 (MANE Select); 6 bases into the intron after coding-DNA position 476, T replaced by A.
Molecular consequence: intron variant.
Genome position (GRCh38, 1-based): chr5:151,859,779, A>T on the plus strand (T>A on the coding strand, the complement: GLRA1 is on the minus strand). VCF-style: chr5-151859779-A-T. GRCh37 (hg19) VCF-style: chr5-151239340-A-T.
Other names: c.227+6T>A (NM_001292000.2); c.476+6T>A (NM_001146040.2).
Identifiers: ClinVar variation 2713697 (VCV002713697.3), dbSNP rs762986466, ClinGen allele CA1591582240.

ClinVar aggregate classification (germline): Uncertain significance (1 of 4 stars; one submission).

Conditions:
Hereditary hyperekplexia. Identifiers: Orphanet 3197, MedGen C4084968, MONDO:0021022.

Allele frequency attached by ClinVar (database versions not stated): TOPMed below 0.00001.
gnomAD v4.1: 7 of 1,591,838 alleles (0.00044%); highest among the groups gnomAD compares: Middle Eastern, 0.017%; no homozygotes.

Submission:

Labcorp Genetics (formerly Invitae), Labcorp
Classification: Uncertain significance for Hereditary hyperekplexia. Last evaluated: 2023-09-18. Review status: criteria provided, single submitter. Criteria: Invitae Variant Classification Sherloc (09022015). Collection method: clinical testing. Allele origin: germline.
Comment: This sequence change falls in intron 4 of the GLRA1 gene. It does not directly change the encoded amino acid sequence of the GLRA1 protein. It affects a nucleotide within the consensus splice site. This variant is not present in population databases (gnomAD no frequency). In summary, the available evidence is currently insufficient to determine the role of this variant in disease. Therefore, it has been classified as a Variant of Uncertain Significance. Variants that disrupt the consensus splice site are a relatively common cause of aberrant splicing (PMID: 17576681, 9536098). Algorithms developed to predict the effect of sequence changes on RNA splicing suggest that this variant is not likely to affect RNA splicing. This variant has not been reported in the literature in individuals affected with GLRA1-related conditions.

Literature cited by the submitters: PubMed 17576681; PubMed 9536098.